The following is an entry in ClinVar:

NM_017534.6(MYH2):c.3943A>T (p.Thr1315Ser)

Genes: MYHAS (myosin heavy chain gene cluster antisense RNA; plus strand), MYH2 (myosin heavy chain 2; minus strand). Cytogenetic location: 17p13.1.
Variant type: single nucleotide variant.
Coding change: c.3943A>T on transcript NM_017534.6 (MANE Select); coding-DNA position 3943, A replaced by T.
Protein change: p.Thr1315Ser; replaces threonine 1315 with serine.
Molecular consequence: missense variant.
Genome position (GRCh38, 1-based): chr17:10,526,985, T>A on the plus strand (A>T on the coding strand, the complement: MYH2 is on the minus strand). VCF-style: chr17-10526985-T-A. GRCh37 (hg19) VCF-style: chr17-10430302-T-A.
Other names: c.3943A>T (NM_017534.5); c.3943A>T, p.Thr1315Ser (NM_001100112.2); short protein forms T1315S.
Identifiers: ClinVar variation 2076215 (VCV002076215.5), dbSNP rs2073363922, ClinGen allele CA398129084.

ClinVar aggregate classification (germline): Uncertain significance. Review status: criteria provided, multiple submitters, no conflicts (2 of 4 stars). 2 submissions from 2 submitters: Uncertain significance (2). Last evaluated 2024-12-31.

Conditions:
Inborn genetic diseases. Identifiers: MedGen C0950123, MeSH D030342.
Myopathy, proximal, and ophthalmoplegia (CMYO6). Also called: CONGENITAL MYOPATHY 6 WITH OPHTHALMOPLEGIA; MYOPATHY WITH CONGENITAL JOINT CONTRACTURES, OPHTHALMOPLEGIA, AND RIMMED VACUOLES; INCLUSION BODY MYOPATHY 3, AUTOSOMAL DOMINANT. Identifiers: Orphanet 363677, Orphanet 79091, MedGen C1854106, MONDO:0011577, OMIM 605637.

Allele frequency attached by ClinVar (database versions not stated): TOPMed below 0.00001.

Submissions (2):

Ambry Genetics
Classification: Uncertain significance for Inborn genetic diseases. Last evaluated: 2024-12-31. Review status: criteria provided, single submitter. Criteria: Ambry Variant Classification Scheme 2023. Collection method: clinical testing. Allele origin: germline.

Labcorp Genetics (formerly Invitae), Labcorp
Classification: Uncertain significance for Myopathy, proximal, and ophthalmoplegia. Last evaluated: 2022-09-09. Review status: criteria provided, single submitter. Criteria: Invitae Variant Classification Sherloc (09022015). Collection method: clinical testing. Allele origin: germline.
Comment: This variant is not present in population databases (gnomAD no frequency). This sequence change replaces threonine, which is neutral and polar, with serine, which is neutral and polar, at codon 1315 of the MYH2 protein (p.Thr1315Ser). This variant has not been reported in the literature in individuals affected with MYH2-related conditions. Advanced modeling of protein sequence and biophysical properties (such as structural, functional, and spatial information, amino acid conservation, physicochemical variation, residue mobility, and thermodynamic stability) performed at Invitae indicates that this missense variant is not expected to disrupt MYH2 protein function. In summary, the available evidence is currently insufficient to determine the role of this variant in disease. Therefore, it has been classified as a Variant of Uncertain Significance.